The following is an entry in ClinVar:

ClinVar aggregate classification (germline): Uncertain significance (1 of 4 stars; one submission).

Submission:

Women's Health and Genetics/Laboratory Corporation of America, LabCorp
Classification: Uncertain significance. Last evaluated: 2020-07-14. Review status: criteria provided, single submitter. Criteria: LabCorp Variant Classification Summary - May 2015. Collection method: clinical testing. Allele origin: germline.
Comment: Variant summary: LAMA5 c.8356G>A (p.Gly2786Ser) results in a non-conservative amino acid change located in the Laminin G domain (IPR001791) of the encoded protein sequence. Five of five in-silico tools predict a damaging effect of the variant on protein function. The variant was absent in 246636 control chromosomes (gnomAD). The available data on variant occurrences in the general population are insufficient to allow any conclusion about variant significance. To our knowledge, no occurrence of c.8356G>A in individuals affected with LAMA5-Related Disorders and no experimental evidence demonstrating its impact on protein function have been reported. No clinical diagnostic laboratories have submitted clinical-significance assessments for this variant to ClinVar after 2014. Based on the evidence outlined above, the variant was classified as uncertain significance.

NM_005560.6(LAMA5):c.8356G>A (p.Gly2786Ser)

Gene: LAMA5 (laminin subunit alpha 5; minus strand). Cytogenetic location: 20q13.33.
Variant type: single nucleotide variant.
Coding change: c.8356G>A on transcript NM_005560.6 (MANE Select); coding-DNA position 8356, G replaced by A.
Protein change: p.Gly2786Ser; replaces glycine 2786 with serine.
Molecular consequence: missense variant.
Genome position (GRCh38, 1-based): chr20:62,314,566, C>T on the plus strand (G>A on the coding strand, the complement: LAMA5 is on the minus strand). VCF-style: chr20-62314566-C-T. GRCh37 (hg19) VCF-style: chr20-60889622-C-T.
Other names: short protein forms G2786S.
Identifiers: ClinVar variation 974969 (VCV000974969.1), dbSNP rs1986721762, ClinGen allele CA409547623.
Genomic context (GRCh38, chr20:62,314,566, plus strand): 5'-TCCAAACAGAGCCTGAGCTCGGGCCGCATCCACCCAGCCAGCCTGGTACCTGGCGGCTGC[C>T]CATGTACATCACAAAGCGATCCTCGGTACCCTGCCCAGGCTCAGGCTCTGGGCCCTGCAG-3'
Protein context (NP_005551.3, residues 2776-2796): GTEDRFVMYM[Gly2786Ser]SRQATGDYMG